The following is an entry in ClinVar:

NM_021625.5(TRPV4):c.2558G>A (p.Cys853Tyr)

Gene: TRPV4 (transient receptor potential cation channel subfamily V member 4; minus strand). Cytogenetic location: 12q24.11.
Variant type: single nucleotide variant.
Coding change: c.2558G>A on transcript NM_021625.5 (MANE Select); coding-DNA position 2558, G replaced by A.
Protein change: p.Cys853Tyr; replaces cysteine 853 with tyrosine.
Molecular consequence: missense variant.
Genome position (GRCh38, 1-based): chr12:109,783,679, C>T on the plus strand (G>A on the coding strand, the complement: TRPV4 is on the minus strand). VCF-style: chr12-109783679-C-T. GRCh37 (hg19) VCF-style: chr12-110221484-C-T.
Other names: c.2417G>A, p.Cys806Tyr (NM_001177428.2); c.2456G>A, p.Cys819Tyr (NM_001177431.2); c.2237G>A, p.Cys746Tyr (NM_001177433.2); c.2378G>A, p.Cys793Tyr (NM_147204.3); short protein forms C746Y, C806Y, C819Y, C793Y, C853Y.
Identifiers: ClinVar variation 1041479 (VCV001041479.9), dbSNP rs771139646, ClinGen allele CA6779860.

ClinVar aggregate classification (germline): Uncertain significance. Review status: criteria provided, multiple submitters, no conflicts (2 of 4 stars). 2 submissions from 2 submitters: Uncertain significance (2). Last evaluated 2023-07-03.

Conditions:
Charcot-Marie-Tooth disease axonal type 2C (HMSN2C). Also called: Charcot-Marie-Tooth Disease Type 2, TRPV4-Related (CMT2C); CHARCOT-MARIE-TOOTH DISEASE, AXONAL, AUTOSOMAL DOMINANT, TYPE 2C; Charcot-Marie-Tooth Neuropathy Type 2C. Identifiers: Orphanet 99937, MedGen C1853710, MONDO:0011633, OMIM 606071.

Allele frequency attached by ClinVar (database versions not stated): ExAC 0.00003; gnomAD exomes 0.00001.
gnomAD v4.1: 10 of 1,613,824 alleles (0.00062%); highest among the groups gnomAD compares: South Asian, 0.0099%; no homozygotes.

Submissions (2):

Labcorp Genetics (formerly Invitae), Labcorp
Classification: Uncertain significance for Charcot-Marie-Tooth disease axonal type 2C. Last evaluated: 2023-07-03. Review status: criteria provided, single submitter. Criteria: Invitae Variant Classification Sherloc (09022015). Collection method: clinical testing. Allele origin: germline.
Comment: In summary, the available evidence is currently insufficient to determine the role of this variant in disease. Therefore, it has been classified as a Variant of Uncertain Significance. Advanced modeling of protein sequence and biophysical properties (such as structural, functional, and spatial information, amino acid conservation, physicochemical variation, residue mobility, and thermodynamic stability) performed at Invitae indicates that this missense variant is not expected to disrupt TRPV4 protein function. ClinVar contains an entry for this variant (Variation ID: 1041479). This variant has not been reported in the literature in individuals affected with TRPV4-related conditions. This variant is present in population databases (rs771139646, gnomAD 0.01%). This sequence change replaces cysteine, which is neutral and slightly polar, with tyrosine, which is neutral and polar, at codon 853 of the TRPV4 protein (p.Cys853Tyr).

GeneDx
Classification: Uncertain significance. Last evaluated: 2022-06-08. Review status: criteria provided, single submitter. Criteria: GeneDx Variant Classification Process June 2021. Collection method: clinical testing. Allele origin: germline. Affected: yes.
Comment: In silico analysis supports that this missense variant does not alter protein structure/function; Has not been previously published as pathogenic or benign to our knowledge; This variant is associated with the following publications: (PMID: 21837266)